The following is an entry in ClinVar:

NM_003872.3(NRP2):c.2330G>T (p.Gly777Val)

Gene: NRP2 (neuropilin 2; plus strand). Cytogenetic location: 2q33.3.
Variant type: single nucleotide variant.
Coding change: c.2330G>T on transcript NM_003872.3 (MANE Select); coding-DNA position 2330, G replaced by T.
Protein change: p.Gly777Val; replaces glycine 777 with valine.
Molecular consequence: missense variant.
Genome position (GRCh38, 1-based): chr2:205,765,496, G>T. VCF-style: chr2-205765496-G-T. GRCh37 (hg19) VCF-style: chr2-206630220-G-T.
Other names: c.2330G>T, p.Gly777Val (NM_018534.4, NM_201266.2, NM_201267.2 and 1 more transcripts); short protein forms G777V.
Identifiers: ClinVar variation 3358096 (VCV003358096.1).

ClinVar aggregate classification (germline): Uncertain significance (0 of 4 stars; one submission).

Conditions:
NRP2-related disorder. Also called: NRP2-related condition.

Submission:

PreventionGenetics, part of Exact Sciences
Classification: Uncertain significance for NRP2-related condition. Last evaluated: 2024-01-26. Review status: no assertion criteria provided. Collection method: clinical testing. Allele origin: germline.
Comment: The NRP2 c.2330G>T variant is predicted to result in the amino acid substitution p.Gly777Val. To our knowledge, this variant has not been reported in the literature or in a large population database, indicating this variant is rare. At this time, the clinical significance of this variant is uncertain due to the absence of conclusive functional and genetic evidence.